The following is an entry in ClinVar:

NM_001083962.2(TCF4):c.1372G>A (p.Gly458Ser)

Genes: TCF4 (transcription factor 4; minus strand), LOC121627832 (Sharpr-MPRA regulatory region 5538; plus strand). Cytogenetic location: 18q21.2.
Variant type: single nucleotide variant.
Coding change: c.1372G>A on transcript NM_001083962.2 (MANE Select); coding-DNA position 1372, G replaced by A.
Protein change: p.Gly458Ser; replaces glycine 458 with serine.
Molecular consequence: missense variant.
Genome position (GRCh38, 1-based): chr18:55,234,662, C>T on the plus strand (G>A on the coding strand, the complement: TCF4 is on the minus strand). VCF-style: chr18-55234662-C-T. GRCh37 (hg19) VCF-style: chr18-52901893-C-T.
Other names: c.1300G>A, p.Gly434Ser (NM_001306207.1, NM_001369582.1, NM_001369583.1 and 5 more transcripts); c.1159G>A, p.Gly387Ser (NM_001306208.1, NM_001243232.1); c.1369G>A, p.Gly457Ser (NM_001330604.3, NM_001369569.1, NM_001369570.1 and 2 more transcripts); c.982G>A, p.Gly328Ser (NM_001330605.3, NM_001348212.2, NM_001348213.2 and 1 more transcripts); c.1246G>A, p.Gly416Ser (NM_001348211.2, NM_001243231.2); c.889G>A, p.Gly297Ser (NM_001348214.2); c.724G>A, p.Gly242Ser (NM_001348215.2); c.892G>A, p.Gly298Ser (NM_001348216.2, NM_001243234.2, NM_001243235.2 and 1 more transcripts); and 6 more; short protein forms G298S, G416S, G433S, G434S, G458S, G560S, G328S, G435S.
Identifiers: ClinVar variation 3654084 (VCV003654084.2).

ClinVar aggregate classification (germline): Uncertain significance (1 of 4 stars; one submission).

Conditions:
Pitt-Hopkins syndrome (PTHS). Also called: ENCEPHALOPATHY, SEVERE EPILEPTIC, WITH AUTONOMIC DYSFUNCTION; MENTAL RETARDATION, SYNDROMAL, WITH INTERMITTENT HYPERVENTILATION. Identifiers: Orphanet 2896, MedGen C1970431, MONDO:0012589, OMIM 610954.

gnomAD v4.1: 1 of 1,614,052 alleles (0.000062%); highest among the groups gnomAD compares: African/African-American, 0.0013%; no homozygotes.

Submission:

Labcorp Genetics (formerly Invitae), Labcorp
Classification: Uncertain significance for Pitt-Hopkins syndrome. Last evaluated: 2024-05-21. Review status: criteria provided, single submitter. Criteria: Invitae Variant Classification Sherloc (09022015). Collection method: clinical testing. Allele origin: germline.
Comment: This sequence change replaces glycine, which is neutral and non-polar, with serine, which is neutral and polar, at codon 458 of the TCF4 protein (p.Gly458Ser). This variant is not present in population databases (gnomAD no frequency). This variant has not been reported in the literature in individuals affected with TCF4-related conditions. Advanced modeling of protein sequence and biophysical properties (such as structural, functional, and spatial information, amino acid conservation, physicochemical variation, residue mobility, and thermodynamic stability) performed at Invitae indicates that this missense variant is not expected to disrupt TCF4 protein function with a negative predictive value of 95%. In summary, the available evidence is currently insufficient to determine the role of this variant in disease. Therefore, it has been classified as a Variant of Uncertain Significance.